The following is an entry in ClinVar:

NM_201253.3(CRB1):c.245G>A (p.Ser82Asn)

Gene: CRB1 (crumbs cell polarity complex component 1; plus strand). Cytogenetic location: 1q31.3.
Variant type: single nucleotide variant.
Coding change: c.245G>A on transcript NM_201253.3 (MANE Select); coding-DNA position 245, G replaced by A.
Protein change: p.Ser82Asn; replaces serine 82 with asparagine.
Molecular consequence: missense variant. On other transcripts: non-coding transcript variant (2).
Genome position (GRCh38, 1-based): chr1:197,328,596, G>A. VCF-style: chr1-197328596-G-A. GRCh37 (hg19) VCF-style: chr1-197297726-G-A.
Other names: c.245G>A, p.Ser82Asn (NM_001193640.2, NM_001257966.2); c.38G>A, p.Ser13Asn (NM_001257965.2); short protein forms S13N, S82N.
Identifiers: ClinVar variation 1019290 (VCV001019290.7), dbSNP rs1658661237, ClinGen allele CA344085356.

ClinVar aggregate classification (germline): Uncertain significance. Review status: criteria provided, single submitter (1 of 4 stars). 2 submissions from 2 submitters: Uncertain significance (1). 1 of the submissions does not count toward it. Last evaluated 2021-08-27.

Conditions:
Leber congenital amaurosis 8 (LCA8). Identifiers: Orphanet 65, MedGen C3151202, MONDO:0013453, OMIM 613835.
Retinitis pigmentosa 12 (RP12). Also called: RP WITH OR WITHOUT PRESERVED PARAARTERIOLE RETINAL PIGMENT EPITHELIUM; RETINITIS PIGMENTOSA WITH OR WITHOUT PARAARTERIOLAR PRESERVATION OF RETINAL PIGMENT EPITHELIUM; RP WITH OR WITHOUT PPRPE. Identifiers: Orphanet 791, MedGen C1838647, MONDO:0010818, OMIM 600105.
Leber congenital amaurosis (LCA). Also called: Leber's amaurosis. Identifiers: Orphanet 65, MedGen C0339527, MeSH D057130, MONDO:0018998.

Submissions (2):

Labcorp Genetics (formerly Invitae), Labcorp
Classification: Uncertain significance for Leber congenital amaurosis 8; Retinitis pigmentosa 12. Last evaluated: 2021-08-27. Review status: criteria provided, single submitter. Criteria: Invitae Variant Classification Sherloc (09022015). Collection method: clinical testing. Allele origin: germline.
Comment: This sequence change replaces serine with asparagine at codon 82 of the CRB1 protein (p.Ser82Asn). The serine residue is weakly conserved and there is a small physicochemical difference between serine and asparagine. This variant is not present in population databases (ExAC no frequency). This variant has not been reported in the literature in individuals affected with CRB1-related conditions. Algorithms developed to predict the effect of missense changes on protein structure and function output the following: SIFT: "Tolerated"; PolyPhen-2: "Benign"; Align-GVGD: "Class C0". The asparagine amino acid residue is found in multiple mammalian species, which suggests that this missense change does not adversely affect protein function. In summary, the available evidence is currently insufficient to determine the role of this variant in disease. Therefore, it has been classified as a Variant of Uncertain Significance.

Natera, Inc.
Classification: Uncertain significance for Leber congenital amaurosis. Last evaluated: 2021-05-21. Review status: no assertion criteria provided. Collection method: clinical testing. Allele origin: germline. Not counted in ClinVar's aggregate classification.